The following is an entry in ClinVar:

NM_006035.4(CDC42BPB):c.2716A>C (p.Thr906Pro)

Gene: CDC42BPB (CDC42 binding protein kinase beta; minus strand). Cytogenetic location: 14q32.32.
Variant type: single nucleotide variant.
Coding change: c.2716A>C on transcript NM_006035.4 (MANE Select); coding-DNA position 2716, A replaced by C.
Protein change: p.Thr906Pro; replaces threonine 906 with proline.
Molecular consequence: missense variant.
Genome position (GRCh38, 1-based): chr14:102,964,512, T>G on the plus strand (A>C on the coding strand, the complement: CDC42BPB is on the minus strand). VCF-style: chr14-102964512-T-G. GRCh37 (hg19) VCF-style: chr14-103430849-T-G.
Other names: c.2716A>C, p.Thr906Pro (NM_001411054.1); short protein forms T906P.
Identifiers: ClinVar variation 2672127 (VCV002672127.1), dbSNP rs2542847797, ClinGen allele CA391082356.

ClinVar aggregate classification (germline): Likely pathogenic (1 of 4 stars; one submission).

Conditions:
Chilton-Okur-Chung neurodevelopmental syndrome (CHOCNS). Identifiers: MedGen C5677022, MONDO:0859239, OMIM 619841.

Submission:

Clinical Genomics Laboratory, Washington University in St. Louis
Classification: Likely pathogenic for Chilton-Okur-Chung neurodevelopmental syndrome. Last evaluated: 2023-09-09. Review status: criteria provided, single submitter. Criteria: ACMG Guidelines, 2015. Collection method: clinical testing. Allele origin: germline. Affected: yes.
Comment: The CDC42BPB c.2716A>C (p.Thr906Pro) variant, to our knowledge, has not been reported in the medical literature and is absent from the general population (gnomAD v.2.1.1), indicating it is not a common variant. This variant occurs within the coiled coil domain and changes a polar threonine to a non-polar proline, which would be expected to confer additional rigidity to the region, but computational predictors do not predict an impact CDC42BPB function. However, several nearby missense variants have been described in affected individuals and are considered pathogenic (Chilton I et al., PMID: 32031333). Based on available information and the ACMG/AMP guidelines for variant interpretation (Richards S et al., PMID: 25741868), this variant is classified as likely pathogenic.